The following is an entry in ClinVar:

ClinVar aggregate classification (germline): Uncertain significance (1 of 4 stars; one submission).

Allele frequency attached by ClinVar (database versions not stated): TOPMed below 0.00001; gnomAD exomes below 0.00001.
gnomAD v4.1: 3 of 1,613,186 alleles (0.00019%); highest among the groups gnomAD compares: Admixed American, 0.0017%; no homozygotes.

Submission:

Labcorp Genetics (formerly Invitae), Labcorp
Classification: Uncertain significance. Last evaluated: 2025-07-13. Review status: criteria provided, single submitter. Criteria: Invitae Variant Classification Sherloc (09022015). Collection method: clinical testing. Allele origin: germline.
Comment: This sequence change replaces serine, which is neutral and polar, with leucine, which is neutral and non-polar, at codon 265 of the TOP2B protein (p.Ser265Leu). The frequency data for this variant in the population databases is considered unreliable, as metrics indicate poor data quality at this position in the gnomAD database. This variant has not been reported in the literature in individuals affected with TOP2B-related conditions. ClinVar contains an entry for this variant (Variation ID: 2722562). An algorithm developed to predict the effect of missense changes on protein structure and function (PolyPhen-2) suggests that this variant is likely to be tolerated. In summary, the available evidence is currently insufficient to determine the role of this variant in disease. Therefore, it has been classified as a Variant of Uncertain Significance.

NM_001330700.2(TOP2B):c.809C>T (p.Ser270Leu)

Gene: TOP2B (DNA topoisomerase II beta; minus strand). Cytogenetic location: 3p24.2.
Variant type: single nucleotide variant.
Coding change: c.809C>T on transcript NM_001330700.2 (MANE Select); coding-DNA position 809, C replaced by T.
Protein change: p.Ser270Leu; replaces serine 270 with leucine.
Molecular consequence: missense variant.
Genome position (GRCh38, 1-based): chr3:25,635,979, G>A on the plus strand (C>T on the coding strand, the complement: TOP2B is on the minus strand). VCF-style: chr3-25635979-G-A. GRCh37 (hg19) VCF-style: chr3-25677470-G-A.
Other names: c.794C>T, p.Ser265Leu (NM_001068.3); short protein forms S270L, S265L.
Identifiers: ClinVar variation 2722562 (VCV002722562.3), dbSNP rs1479706479, ClinGen allele CA351911957.